The following is an entry in ClinVar:

NM_004646.4(NPHS1):c.869del (p.Gly290fs)

Gene: NPHS1 (NPHS1 adhesion molecule, nephrin; minus strand). Cytogenetic location: 19q13.12.
Variant type: Deletion.
Coding change: c.869del on transcript NM_004646.4 (MANE Select); coding-DNA position 869, one base deleted (G; older notation c.869delG).
Protein change: p.Gly290fs; shifts the reading frame from glycine 290.
Molecular consequence: frameshift variant.
Genome position (GRCh38, 1-based): chr19:35,849,119, C deleted on the plus strand (G on the coding strand, the reverse complement: NPHS1 is on the minus strand); the first of 4 consecutive C bases (chr19:35,849,119-35,849,122); deleting any one gives the same sequence. VCF-style (leftmost placement, unchanged base first): chr19-35849118-GC-G. GRCh37 (hg19) VCF-style: chr19-36340020-GC-G.
Other names: short protein forms G290fs.
Identifiers: ClinVar variation 1526163 (VCV001526163.1), dbSNP rs2146827686, ClinGen allele CA2573156262.

ClinVar aggregate classification (germline): Pathogenic (1 of 4 stars; one submission).

Conditions:
Finnish congenital nephrotic syndrome (NPHS1). Also called: NEPHROTIC SYNDROME, TYPE 1. Identifiers: Orphanet 839, MedGen C0403399, MONDO:0009732, OMIM 256300.

Submission:

3billion
Classification: Pathogenic for Finnish congenital nephrotic syndrome. Last evaluated: 2022-03-22. Review status: criteria provided, single submitter. Criteria: ACMG Guidelines, 2015. Collection method: clinical testing. Allele origin: germline. Affected: yes. Observed: 1 homozygote.
Comment: Frameshift: predicted to result in a loss or disruption of normal protein function through nonsense-mediated decay (NMD) or protein truncation. Multiple pathogenic variants are reported downstream of the variant.It is not observed in the gnomAD v2.1.1 dataset. Therefore, this variant is classified as pathogenic according to the recommendation of ACMG/AMP guideline.